The following is an entry in ClinVar:

NM_000051.4(ATM):c.8152-1G>C

Genes: ATM (ATM serine/threonine kinase; plus strand), C11orf65 (chromosome 11 open reading frame 65; minus strand). Cytogenetic location: 11q22.3.
Variant type: single nucleotide variant.
Coding change: c.8152-1G>C on transcript NM_000051.4 (MANE Select); the canonical splice acceptor site of the intron before coding-DNA position 8152, G replaced by C.
Molecular consequence: splice acceptor variant. On other transcripts: intron variant (2).
Genome position (GRCh38, 1-based): chr11:108,335,844, G>C. VCF-style: chr11-108335844-G-C. GRCh37 (hg19) VCF-style: chr11-108206571-G-C.
Other names: c.641-26773C>G (NM_001330368.2); c.695-552C>G (NM_001351110.2); c.8152-1G>C (NM_001351834.2).
Identifiers: ClinVar variation 1465214 (VCV001465214.9), dbSNP rs1398616877, ClinGen allele CA382562324.

ClinVar aggregate classification (germline): Pathogenic/Likely pathogenic. Review status: criteria provided, multiple submitters, no conflicts (2 of 4 stars). 4 submissions from 4 submitters: Pathogenic (1); Likely pathogenic (3). Last evaluated 2025-09-26.

Conditions:
Hereditary cancer-predisposing syndrome. Also called: Neoplastic Syndromes, Hereditary; Tumor predisposition; Hereditary Cancer Syndrome; Hereditary neoplastic syndrome. Identifiers: Orphanet 140162, MedGen C0027672, MeSH D009386, MONDO:0015356.
Familial cancer of breast. Also called: BREAST CANCER, FAMILIAL; Hereditary breast cancer; hereditary breast carcinoma. Identifiers: Orphanet 227535, MedGen C0346153, MONDO:0016419, OMIM 114480. Disease mechanism: loss of function.
Ataxia-telangiectasia syndrome (AT). Also called: LOUIS-BAR SYNDROME; Cerebello-oculocutaneous telangiectasia; Immunodeficiency with ataxia telangiectasia; Ataxia telangiectasia (A-T); Ataxia-telangiectasia, complementation group D; AT, COMPLEMENTATION GROUP C. Identifiers: Orphanet 100, MedGen C0004135, MONDO:0008840, OMIM 208900.

Submissions (4):

Ambry Genetics
Classification: Likely pathogenic for Hereditary cancer-predisposing syndrome. Last evaluated: 2025-09-26. Review status: criteria provided, single submitter. Criteria: Ambry Variant Classification Scheme 2023. Collection method: clinical testing. Allele origin: germline.
Comment: The c.8152-1G>C intronic variant results from a G to C substitution one nucleotide upstream from coding exon 55 of the ATM gene. This variant has been identified in the homozygous state and/or in conjunction with other ATM variant(s) in individual(s) with features consistent with Ataxia telangiesctasia (Monies D et al. Am J Hum Genet, 2019 Jun;104:1182-1201). This nucleotide position is highly conserved in available vertebrate species. In silico splice site analysis predicts that this alteration will weaken the native splice acceptor site and may result in the creation or strengthening of a novel splice acceptor site; however, direct evidence is insufficient at this time (Ambry internal data). Alterations that disrupt the canonical splice site are expected to cause aberrant splicing, resulting in an abnormal protein or a transcript that is subject to nonsense-mediated mRNA decay. As such, this alteration is classified as likely pathogenic.

Natera, Inc.
Classification: Likely pathogenic for Ataxia-telangiectasia. Last evaluated: 2025-03-27. Review status: criteria provided, single submitter. Criteria: Natera Variant Classification Schema (03/2026). Collection method: clinical testing. Allele origin: germline.
Comment: The c.8152-1G>C variant in ATM is a canonical splice acceptor site variant predicted to affect pre-mRNA splicing, which may result in an abnormal transcript and altered protein product. This variant is expected to result in nonsense mediated decay, truncation, or a dysfunctional protein product. This variant is rare in the general population with a frequency below the threshold expected for the associated phenotype(s). Given the available evidence, this variant is classified as Likely Pathogenic.

Labcorp Genetics (formerly Invitae), Labcorp
Classification: Pathogenic for Ataxia-telangiectasia syndrome. Last evaluated: 2024-07-18. Review status: criteria provided, single submitter. Criteria: Invitae Variant Classification Sherloc (09022015). Collection method: clinical testing. Allele origin: germline.
Comment: This sequence change affects an acceptor splice site in intron 55 of the ATM gene. It is expected to disrupt RNA splicing. Variants that disrupt the donor or acceptor splice site typically lead to a loss of protein function (PMID: 16199547), and loss-of-function variants in ATM are known to be pathogenic (PMID: 23807571, 25614872). This variant is not present in population databases (gnomAD no frequency). Disruption of this splice site has been observed in individual(s) with clinical features of ATM-related conditions (PMID: 28975465, 31130284). ClinVar contains an entry for this variant (Variation ID: 1465214). Algorithms developed to predict the effect of sequence changes on RNA splicing suggest that this variant may disrupt the consensus splice site. This variant disrupts a region of the ATM protein in which other variant(s) (p.Gln2730Pro) have been determined to be pathogenic (PMID: 16189143, 19431188, 22869595). This suggests that this is a clinically significant region of the protein, and that variants that disrupt it are likely to be disease-causing. For these reasons, this variant has been classified as Pathogenic.

Myriad Genetics, Inc.
Classification: Likely pathogenic for Familial cancer of breast. Last evaluated: 2024-02-01. Review status: criteria provided, single submitter. Criteria: Myriad Autosomal Dominant, Autosomal Recessive and X-Linked Classification Criteria (2023). Collection method: clinical testing. Allele origin: unknown.
Comment: This variant is considered likely pathogenic. This variant occurs within a consensus splice junction and is predicted to result in abnormal mRNA splicing of either an out-of-frame exon or an in-frame exon necessary for protein stability and/or normal function.

Literature cited by the submitters: PubMed 31130284 (cited by Ambry Genetics and Labcorp Genetics (formerly Invitae), Labcorp); PubMed 16199547 (cited by Labcorp Genetics (formerly Invitae), Labcorp); PubMed 23807571 (cited by Labcorp Genetics (formerly Invitae), Labcorp); PubMed 25614872 (cited by Labcorp Genetics (formerly Invitae), Labcorp); PubMed 28975465 (cited by Labcorp Genetics (formerly Invitae), Labcorp); PubMed 16189143 (cited by Labcorp Genetics (formerly Invitae), Labcorp); PubMed 19431188 (cited by Labcorp Genetics (formerly Invitae), Labcorp); PubMed 22869595 (cited by Labcorp Genetics (formerly Invitae), Labcorp).